The following is an entry in ClinVar:

NM_002292.4(LAMB2):c.350C>G (p.Pro117Arg)

Gene: LAMB2 (laminin subunit beta 2; minus strand). Cytogenetic location: 3p21.31.
Variant type: single nucleotide variant.
Coding change: c.350C>G on transcript NM_002292.4 (MANE Select); coding-DNA position 350, C replaced by G.
Protein change: p.Pro117Arg; replaces proline 117 with arginine.
Molecular consequence: missense variant.
Genome position (GRCh38, 1-based): chr3:49,132,305, G>C on the plus strand (C>G on the coding strand, the complement: LAMB2 is on the minus strand). VCF-style: chr3-49132305-G-C. GRCh37 (hg19) VCF-style: chr3-49169738-G-C.
Other names: short protein forms P117R.
Identifiers: ClinVar variation 981942 (VCV000981942.3), dbSNP rs756338774, ClinGen allele CA2394956.

ClinVar aggregate classification (germline): Uncertain significance. Review status: criteria provided, single submitter (1 of 4 stars). 2 submissions from 2 submitters: Uncertain significance (1). 1 of the submissions does not count toward it. Last evaluated 2022-12-16.

Conditions:
LAMB2-related disorder. Also called: LAMB2-related condition.
Corticosteroids response. Also called: Corticosteroid response.

Allele frequency attached by ClinVar (database versions not stated): gnomAD below 0.00001 and 0.00001; gnomAD exomes 0.00003 and 0.00006; ExAC 0.00007.
gnomAD v4.1: 42 of 1,614,136 alleles (0.0026%); highest among the groups gnomAD compares: South Asian, 0.046%; no homozygotes.

Submissions (2):

PreventionGenetics, part of Exact Sciences
Classification: Uncertain significance for LAMB2-related condition. Last evaluated: 2022-12-16. Review status: criteria provided, single submitter. Criteria: ACMG Guidelines, 2015. Collection method: clinical testing. Allele origin: germline.
Comment: The LAMB2 c.350C>G variant is predicted to result in the amino acid substitution p.Pro117Arg. This variant was reported in a cohort study in patients with steroid sensitive nephrotic syndrome (Thakor et al. 2021. PubMed ID: 34546508). This variant is reported in 0.049% of alleles in individuals of South Asian descent in gnomAD. At this time, the clinical significance of this variant is uncertain due to the absence of conclusive functional and genetic evidence.

Genetic Testing Lab, Ashok and Rita Patel Institute of Integrated Study and Research in Biotechnology and Allied Sciences
Classification: drug response for Corticosteroid response. Last evaluated: 2020-01-12. Review status: no assertion criteria provided. Collection method: research. Allele origin: somatic. Affected: yes. Observed: 37 variant alleles. Not counted in ClinVar's aggregate classification.
Comment: Depending upon response to standard corticosteroid therapy, patients were classified to be either Steroid resistant (SRNS) or steroid sensitive (SSNS). Patients in remission within 4 weeks of corticosteroid therapy were classified as steroid sensitive nephrotic syndrome (SSNS). Patients not in remission within 4 weeks of corticosteroid therapy were classified as Steroid resistant nephrotic syndrome (SRNS).